The following is an entry in ClinVar:

NM_001283009.2(RTEL1):c.758A>T (p.His253Leu)

Genes: RTEL1 (regulator of telomere elongation helicase 1; plus strand), RTEL1-TNFRSF6B (RTEL1-TNFRSF6B readthrough (NMD candidate); plus strand). Cytogenetic location: 20q13.33.
Variant type: single nucleotide variant.
Coding change: c.758A>T on transcript NM_001283009.2 (MANE Select); coding-DNA position 758, A replaced by T.
Protein change: p.His253Leu; replaces histidine 253 with leucine.
Molecular consequence: missense variant. On other transcripts: non-coding transcript variant (1).
Genome position (GRCh38, 1-based): chr20:63,672,614, A>T. VCF-style: chr20-63672614-A-T. GRCh37 (hg19) VCF-style: chr20-62303967-A-T.
Other names: c.89A>T, p.His30Leu (NM_001283010.1); c.758A>T, p.His253Leu (NM_016434.4); c.830A>T, p.His277Leu (NM_032957.5); short protein forms H277L, H30L, H253L.
Identifiers: ClinVar variation 1463489 (VCV001463489.8), dbSNP rs2146193406, ClinGen allele CA409672121.

ClinVar aggregate classification (germline): Uncertain significance (1 of 4 stars; one submission).

Conditions:
Pulmonary fibrosis and/or bone marrow failure, Telomere-related, 3. Also called: PULMONARY FIBROSIS AND/OR BONE MARROW FAILURE SYNDROME, TELOMERE-RELATED, 3. Identifiers: Orphanet 2032, MedGen C4225346, MONDO:0014613, OMIM 616373.
Dyskeratosis congenita, autosomal recessive 5 (DKCB5). Identifiers: MedGen C3554656, MONDO:0014076, OMIM 615190.

Submission:

Labcorp Genetics (formerly Invitae), Labcorp
Classification: Uncertain significance for Dyskeratosis congenita, autosomal recessive 5; Pulmonary fibrosis and/or bone marrow failure, Telomere-related, 3. Last evaluated: 2021-05-27. Review status: criteria provided, single submitter. Criteria: Invitae Variant Classification Sherloc (09022015). Collection method: clinical testing. Allele origin: germline.
Comment: This sequence change replaces histidine with leucine at codon 253 of the RTEL1 protein (p.His253Leu). The histidine residue is highly conserved and there is a moderate physicochemical difference between histidine and leucine. This variant is not present in population databases (ExAC no frequency). This variant has not been reported in the literature in individuals with RTEL1-related conditions. Algorithms developed to predict the effect of missense changes on protein structure and function are either unavailable or do not agree on the potential impact of this missense change (SIFT: "Deleterious"; PolyPhen-2: "Probably Damaging"; Align-GVGD: "Class C0"). In summary, the available evidence is currently insufficient to determine the role of this variant in disease. Therefore, it has been classified as a Variant of Uncertain Significance.